The following is an entry in ClinVar:

ClinVar aggregate classification (germline): Uncertain significance (1 of 4 stars; one submission).

Conditions:
Long QT syndrome (LQTS). Identifiers: MedGen C0023976, MeSH D008133, MONDO:0002442. Disease mechanism: loss of function. Inheritance: Various modes of inheritance.

Submission:

Labcorp Genetics (formerly Invitae), Labcorp
Classification: Uncertain significance for Long QT syndrome. Last evaluated: 2022-11-26. Review status: criteria provided, single submitter. Criteria: Invitae Variant Classification Sherloc (09022015). Collection method: clinical testing. Allele origin: germline.
Comment: This variant has not been reported in the literature in individuals affected with KCNJ5-related conditions. In summary, the available evidence is currently insufficient to determine the role of this variant in disease. Therefore, it has been classified as a Variant of Uncertain Significance. Advanced modeling of protein sequence and biophysical properties (such as structural, functional, and spatial information, amino acid conservation, physicochemical variation, residue mobility, and thermodynamic stability) performed at Invitae indicates that this missense variant is expected to disrupt KCNJ5 protein function. This variant is not present in population databases (gnomAD no frequency). This sequence change replaces phenylalanine, which is neutral and non-polar, with serine, which is neutral and polar, at codon 286 of the KCNJ5 protein (p.Phe286Ser).

NM_000890.5(KCNJ5):c.857T>C (p.Phe286Ser)

Gene: KCNJ5 (potassium inwardly rectifying channel subfamily J member 5; plus strand). Cytogenetic location: 11q24.3.
Variant type: single nucleotide variant.
Coding change: c.857T>C on transcript NM_000890.5 (MANE Select); coding-DNA position 857, T replaced by C.
Protein change: p.Phe286Ser; replaces phenylalanine 286 with serine.
Molecular consequence: missense variant.
Genome position (GRCh38, 1-based): chr11:128,912,130, T>C. VCF-style: chr11-128912130-T-C. GRCh37 (hg19) VCF-style: chr11-128782025-T-C.
Other names: c.857T>C, p.Phe286Ser (NM_001354169.2); short protein forms F286S.
Identifiers: ClinVar variation 2816773 (VCV002816773.3), dbSNP rs2497725291, ClinGen allele CA383251294.